The following is an entry in ClinVar:

NM_013314.4(BLNK):c.835G>C (p.Glu279Gln)

Genes: BLNK (B cell linker; minus strand), ZNF518A (zinc finger protein 518A; plus strand). Cytogenetic location: 10q24.1.
Variant type: single nucleotide variant.
Coding change: c.835G>C on transcript NM_013314.4 (MANE Select); coding-DNA position 835, G replaced by C.
Protein change: p.Glu279Gln; replaces glutamic acid 279 with glutamine.
Molecular consequence: missense variant. On other transcripts: non-coding transcript variant (5).
Genome position (GRCh38, 1-based): chr10:96,204,599, C>G on the plus strand (G>C on the coding strand, the complement: BLNK is on the minus strand). VCF-style: chr10-96204599-C-G. GRCh37 (hg19) VCF-style: chr10-97964355-C-G.
Other names: c.766G>C, p.Glu256Gln (NM_001258441.2, NM_001114094.2); c.520G>C, p.Glu174Gln (NM_001258442.2); c.835G>C, p.Glu279Gln (NM_001258440.2); short protein forms E256Q, E174Q, E279Q.
Identifiers: ClinVar variation 2721723 (VCV002721723.3), dbSNP rs1554896986, ClinGen allele CA377720381.

ClinVar aggregate classification (germline): Uncertain significance (1 of 4 stars; one submission).

Conditions:
Agammaglobulinemia 4, autosomal recessive (AGM4). Also called: AGAMMAGLOBULINEMIA, AUTOSOMAL RECESSIVE, DUE TO BLNK DEFECT; B cell linker protein deficiency. Identifiers: MedGen C3150752, MONDO:0013289, OMIM 613502.

Allele frequency attached by ClinVar (database versions not stated): gnomAD exomes below 0.00001.
gnomAD v4.1: 1 of 1,614,008 alleles (0.000062%); highest among the groups gnomAD compares: Admixed American, 0.0017%; no homozygotes.

Submission:

Labcorp Genetics (formerly Invitae), Labcorp
Classification: Uncertain significance for Agammaglobulinemia 4, autosomal recessive. Last evaluated: 2023-06-21. Review status: criteria provided, single submitter. Criteria: Invitae Variant Classification Sherloc (09022015). Collection method: clinical testing. Allele origin: germline.
Comment: This variant has not been reported in the literature in individuals affected with BLNK-related conditions. Advanced modeling of protein sequence and biophysical properties (such as structural, functional, and spatial information, amino acid conservation, physicochemical variation, residue mobility, and thermodynamic stability) performed at Invitae indicates that this missense variant is not expected to disrupt BLNK protein function. In summary, the available evidence is currently insufficient to determine the role of this variant in disease. Therefore, it has been classified as a Variant of Uncertain Significance. This variant is present in population databases (no rsID available, gnomAD 0.003%). This sequence change replaces glutamic acid, which is acidic and polar, with glutamine, which is neutral and polar, at codon 279 of the BLNK protein (p.Glu279Gln).